The following is an entry in ClinVar:

ClinVar aggregate classification (germline): Uncertain significance (1 of 4 stars; one submission).

Conditions:
Primary ciliary dyskinesia. Also called: Ciliary dyskinesia. Identifiers: Orphanet 244, MedGen C0008780, MONDO:0016575, HP:0012265.

Submission:

Labcorp Genetics (formerly Invitae), Labcorp
Classification: Uncertain significance for Primary ciliary dyskinesia. Last evaluated: 2022-05-05. Review status: criteria provided, single submitter. Criteria: Invitae Variant Classification Sherloc (09022015). Collection method: clinical testing. Allele origin: germline.
Comment: This variant, c.667_675dup, results in the insertion of 3 amino acid(s) of the CCNO protein (p.Lys223_His225dup), but otherwise preserves the integrity of the reading frame. This variant is not present in population databases (gnomAD no frequency). This variant has not been reported in the literature in individuals affected with CCNO-related conditions. Experimental studies and prediction algorithms are not available or were not evaluated, and the functional significance of this variant is currently unknown. In summary, the available evidence is currently insufficient to determine the role of this variant in disease. Therefore, it has been classified as a Variant of Uncertain Significance.

NM_021147.5(CCNO):c.667_675dup (p.His225_Phe226insLysLeuHis)

Gene: CCNO (cyclin O; minus strand). Cytogenetic location: 5q11.2.
Variant type: Duplication.
Coding change: c.667_675dup on transcript NM_021147.5 (MANE Select); coding-DNA positions 667 to 675, 9 bases duplicated (AAGCTGCAC; older notation c.667_675dupAAGCTGCAC).
Protein change: p.His225_Phe226insLysLeuHis.
Molecular consequence: inframe insertion. On other transcripts: non-coding transcript variant (3).
Genome position (GRCh38, 1-based): chr5:55,231,753-55,231,761, GTGCAGCTT duplicated on the plus strand (AAGCTGCAC on the coding strand, the reverse complement: CCNO is on the minus strand); duplicating any 9 consecutive bases within chr5:55,231,753-55,231,768 gives the same sequence; the c. name uses the placement nearest the transcript's 3' end. VCF-style (leftmost placement, unchanged base first): chr5-55231752-A-AGTGCAGCTT. GRCh37 (hg19) VCF-style: chr5-54527580-A-AGTGCAGCTT.
Identifiers: ClinVar variation 2110288 (VCV002110288.4), dbSNP rs1745587128, ClinGen allele CA2580073322.